The following is an entry in ClinVar:

NM_001277115.2(DNAH11):c.7334C>T (p.Ser2445Leu)

Gene: DNAH11 (dynein axonemal heavy chain 11; plus strand). Cytogenetic location: 7p15.3.
Variant type: single nucleotide variant.
Coding change: c.7334C>T on transcript NM_001277115.2 (MANE Select); coding-DNA position 7334, C replaced by T.
Protein change: p.Ser2445Leu; replaces serine 2445 with leucine.
Molecular consequence: missense variant.
Genome position (GRCh38, 1-based): chr7:21,725,878, C>T. VCF-style: chr7-21725878-C-T. GRCh37 (hg19) VCF-style: chr7-21765496-C-T.
Other names: short protein forms S2445L.
Identifiers: ClinVar variation 257927 (VCV000257927.10), dbSNP rs180970138, ClinGen allele CA4181195.

ClinVar aggregate classification (germline): Conflicting classifications of pathogenicity. Review status: criteria provided, conflicting classifications (1 of 4 stars). 4 submissions from 4 submitters: Uncertain significance (2); Benign (1); Likely benign (1). Last evaluated 2025-07-02.

Conditions:
Primary ciliary dyskinesia. Also called: Ciliary dyskinesia. Identifiers: Orphanet 244, MedGen C0008780, MONDO:0016575, HP:0012265.

Allele frequency attached by ClinVar (database versions not stated): gnomAD 0.00002 and 0.00003; TOPMed 0.00002; gnomAD exomes 0.00006; ExAC 0.00007; 1000 Genomes Project 30x 0.00016; 1000 Genomes Project 0.00020.
gnomAD v4.1: 33 of 1,609,382 alleles (0.0021%); highest among the groups gnomAD compares: Admixed American, 0.025%; 1 homozygote.

Submissions (4):

Labcorp Genetics (formerly Invitae), Labcorp
Classification: Benign for Primary ciliary dyskinesia. Last evaluated: 2025-07-02. Review status: criteria provided, single submitter. Criteria: Invitae Variant Classification Sherloc (09022015). Collection method: clinical testing. Allele origin: germline.

GeneDx
Classification: Uncertain significance. Last evaluated: 2025-05-15. Review status: criteria provided, single submitter. Criteria: GeneDx Variant Classification Process June 2021. Collection method: clinical testing. Allele origin: germline. Affected: yes.
Comment: In silico analysis supports that this missense variant has a deleterious effect on protein structure/function; Has not been previously published as pathogenic or benign to our knowledge

Ambry Genetics
Classification: Uncertain significance for Primary ciliary dyskinesia. Last evaluated: 2021-08-16. Review status: criteria provided, single submitter. Criteria: Ambry Variant Classification Scheme 2023. Collection method: clinical testing. Allele origin: germline.

PreventionGenetics, part of Exact Sciences
Classification: Likely benign. Review status: criteria provided, single submitter. Criteria: ACMG Guidelines, 2015. Collection method: clinical testing. Allele origin: germline.